The following is an entry in ClinVar:

ClinVar aggregate classification (germline): Uncertain significance (1 of 4 stars; one submission).

Conditions:
Mowat-Wilson syndrome (MOWS). Also called: Classic Mowat-Wilson Syndrome. Identifiers: Orphanet 2152, MedGen C1856113, MONDO:0009341, OMIM 235730.

Submission:

Labcorp Genetics (formerly Invitae), Labcorp
Classification: Uncertain significance for Mowat-Wilson syndrome. Last evaluated: 2025-10-15. Review status: criteria provided, single submitter. Criteria: Invitae Variant Classification Sherloc (09022015). Collection method: clinical testing. Allele origin: germline.
Comment: This sequence change replaces threonine, which is neutral and polar, with proline, which is neutral and non-polar, at codon 896 of the ZEB2 protein (p.Thr896Pro). This variant is not present in population databases (gnomAD no frequency). This variant has not been reported in the literature in individuals affected with ZEB2-related conditions. Invitae Evidence Modeling of protein sequence and biophysical properties (such as structural, functional, and spatial information, amino acid conservation, physicochemical variation, residue mobility, and thermodynamic stability) indicates that this missense variant is expected to disrupt ZEB2 protein function with a positive predictive value of 80%. In summary, the available evidence is currently insufficient to determine the role of this variant in disease. Therefore, it has been classified as a Variant of Uncertain Significance.

NM_014795.4(ZEB2):c.2686A>C (p.Thr896Pro)

Gene: ZEB2 (zinc finger E-box binding homeobox 2; minus strand). Cytogenetic location: 2q22.3.
Variant type: single nucleotide variant.
Coding change: c.2686A>C on transcript NM_014795.4 (MANE Select); coding-DNA position 2686, A replaced by C.
Protein change: p.Thr896Pro; replaces threonine 896 with proline.
Molecular consequence: missense variant.
Genome position (GRCh38, 1-based): chr2:144,398,501, T>G on the plus strand (A>C on the coding strand, the complement: ZEB2 is on the minus strand). VCF-style: chr2-144398501-T-G. GRCh37 (hg19) VCF-style: chr2-145156068-T-G.
Other names: c.2614A>C, p.Thr872Pro (NM_001171653.2); short protein forms T872P, T896P.
Identifiers: ClinVar variation 4744940 (VCV004744940.1).